The following is an entry in ClinVar:

NM_138701.4(MPLKIP):c.170G>A (p.Arg57Gln)

Genes: MPLKIP (M-phase specific PLK1 interacting protein; minus strand), LOC129998295 (ATAC-STARR-seq lymphoblastoid silent region 18117; plus strand). Cytogenetic location: 7p14.1.
Variant type: single nucleotide variant.
Coding change: c.170G>A on transcript NM_138701.4 (MANE Select); coding-DNA position 170, G replaced by A.
Protein change: p.Arg57Gln; replaces arginine 57 with glutamine.
Molecular consequence: missense variant.
Genome position (GRCh38, 1-based): chr7:40,134,398, C>T on the plus strand (G>A on the coding strand, the complement: MPLKIP is on the minus strand). VCF-style: chr7-40134398-C-T. GRCh37 (hg19) VCF-style: chr7-40173997-C-T.
Other names: short protein forms R57Q.
Identifiers: ClinVar variation 2176880 (VCV002176880.4), dbSNP rs1363086107, ClinGen allele CA367308410.
Genomic context (GRCh38, chr7:40,134,398, plus strand): 5'-CGGCCCCCCGGGAAGCTGCCGCCGTGTCGCGGAGAGTGACTGCTCCCGTACGGCCTAGAC[C>T]GGGGCCCGTACGGCGGCGTGTGGTGCGGACTCCCGTACCCGTCTCGAGGGGAGGGCGGCC-3'
Protein context (NP_619646.1, residues 47-67): SPHHTPPYGP[Arg57Gln]SRPYGSSHSP

ClinVar aggregate classification (germline): Uncertain significance (1 of 4 stars; one submission).

Allele frequency attached by ClinVar (database versions not stated): gnomAD 0.00001; TOPMed 0.00002.

Submission:

Labcorp Genetics (formerly Invitae), Labcorp
Classification: Uncertain significance. Last evaluated: 2025-11-12. Review status: criteria provided, single submitter. Criteria: Invitae Variant Classification Sherloc (09022015). Collection method: clinical testing. Allele origin: germline.
Comment: This sequence change replaces arginine, which is basic and polar, with glutamine, which is neutral and polar, at codon 57 of the MPLKIP protein (p.Arg57Gln). The frequency data for this variant in the population databases is considered unreliable, as metrics indicate poor data quality at this position in the gnomAD database. This variant has not been reported in the literature in individuals affected with MPLKIP-related conditions. ClinVar contains an entry for this variant (Variation ID: 2176880). An algorithm developed to predict the effect of missense changes on protein structure and function (PolyPhen-2) suggests that this variant is likely to be disruptive. In summary, the available evidence is currently insufficient to determine the role of this variant in disease. Therefore, it has been classified as a Variant of Uncertain Significance.